The following is an entry in ClinVar:

ClinVar aggregate classification (germline): Benign/Likely benign. Review status: criteria provided, multiple submitters, no conflicts (2 of 4 stars). 7 submissions from 7 submitters: Benign (2); Likely benign (5). Last evaluated 2026-06-12.

Conditions:
Hereditary cancer-predisposing syndrome. Also called: Neoplastic Syndromes, Hereditary; Tumor predisposition; Hereditary Cancer Syndrome; Hereditary neoplastic syndrome. Identifiers: Orphanet 140162, MedGen C0027672, MeSH D009386, MONDO:0015356.
Tuberous sclerosis 2 (TSC2). Identifiers: Orphanet 805, MedGen C1860707, MONDO:0013199, OMIM 613254.
TSC2-related disorder. Also called: TSC2-Related Disorders; TSC2-related condition.

Allele frequency attached by ClinVar (database versions not stated): gnomAD 0.00003 and 0.00004; TOPMed 0.00003.
gnomAD v4.1: 10 of 1,612,838 alleles (0.00062%); highest among the groups gnomAD compares: African/African-American, 0.0093%; no homozygotes.

Submissions (7):

PreventionGenetics, part of Exact Sciences
Classification: Likely benign for TSC2-related condition. Last evaluated: 2026-06-12. Review status: criteria provided, single submitter. Criteria: ACMG Guidelines, 2015. Collection method: clinical testing. Allele origin: germline.
Comment: This variant is classified as likely benign based on ACMG/AMP sequence variant interpretation guidelines (Richards et al. 2015 PMID: 25741868, with internal and published modifications).

Labcorp Genetics (formerly Invitae), Labcorp
Classification: Likely benign for Tuberous sclerosis 2. Last evaluated: 2025-12-27. Review status: criteria provided, single submitter. Criteria: Invitae Variant Classification Sherloc (09022015). Collection method: clinical testing. Allele origin: germline.

Myriad Genetics, Inc.
Classification: Benign for Tuberous sclerosis 2. Last evaluated: 2025-06-06. Review status: criteria provided, single submitter. Criteria: Myriad Autosomal Dominant, Autosomal Recessive and X-Linked Classification Criteria (2023). Collection method: clinical testing. Allele origin: unknown.
Comment: This variant is considered benign. This variant is a silent/synonymous amino acid change and it is not expected to impact splicing.

Sema4
Classification: Likely benign for Hereditary cancer-predisposing syndrome. Last evaluated: 2021-11-15. Review status: criteria provided, single submitter. Criteria: Sema4 Curation Guidelines. Collection method: curation. Allele origin: germline.

Genome-Nilou Lab
Classification: Benign for Tuberous sclerosis 2. Last evaluated: 2021-11-07. Review status: criteria provided, single submitter. Criteria: ACMG Guidelines, 2015. Collection method: clinical testing. Allele origin: germline. Affected: no.

GeneDx
Classification: Likely benign. Last evaluated: 2021-02-08. Review status: criteria provided, single submitter. Criteria: GeneDx Variant Classification Process June 2021. Collection method: clinical testing. Allele origin: germline. Affected: yes.

Ambry Genetics
Classification: Likely benign for Hereditary cancer-predisposing syndrome. Last evaluated: 2017-08-09. Review status: criteria provided, single submitter. Criteria: Ambry Variant Classification Scheme 2023. Collection method: clinical testing. Allele origin: germline.

NM_000548.5(TSC2):c.5122C>T (p.Leu1708=)

Gene: TSC2 (TSC complex subunit 2; plus strand). Cytogenetic location: 16p13.3.
Variant type: single nucleotide variant.
Coding change: c.5122C>T on transcript NM_000548.5 (MANE Select); coding-DNA position 5122, C replaced by T.
Protein change: p.Leu1708=; no amino-acid change (leucine 1708 retained).
Molecular consequence: synonymous variant.
Genome position (GRCh38, 1-based): chr16:2,088,101, C>T. VCF-style: chr16-2088101-C-T. GRCh37 (hg19) VCF-style: chr16-2138102-C-T.
Other names: c.5122C>T (NM_000548.4); c.4921C>T, p.Leu1641= (NM_001077183.3); c.5053C>T, p.Leu1685= (NM_001114382.3); c.4813C>T, p.Leu1605= (NM_001318827.2); c.4777C>T, p.Leu1593= (NM_001318829.2); c.4390C>T, p.Leu1464= (NM_001318831.2); c.4954C>T, p.Leu1652= (NM_001318832.2); c.4924C>T, p.Leu1642= (NM_001363528.2); and 2 more.
Identifiers: ClinVar variation 705353 (VCV000705353.22), dbSNP rs1168265181, ClinGen allele CA493043661.
Genomic context (GRCh38, chr16:2,088,101, plus strand): 5'-TCCCCAGACATGGAGGGCCTTGTGGACACCAGCGTGGCCAAGATCGTGTCTGACCGCAAC[C>T]TGCCCTTCGTGGCCCGCCAGATGGCCCTGCACGCAAATGTGAGTGGGGGTGGGTCCAGGC-3'
Protein context (NP_000539.2, residues 1698-1718): SVAKIVSDRN[Leu1708=]PFVARQMALH